The following is an entry in ClinVar:

ClinVar aggregate classification (germline): Uncertain significance (1 of 4 stars; one submission).

Conditions:
Familial hemiplegic migraine. Identifiers: MedGen C0338484, MONDO:0000700.

gnomAD v4.1: 1 of 1,610,926 alleles (0.000062%); no homozygotes.

Submission:

Labcorp Genetics (formerly Invitae), Labcorp
Classification: Uncertain significance for Familial hemiplegic migraine. Last evaluated: 2023-10-10. Review status: criteria provided, single submitter. Criteria: Invitae Variant Classification Sherloc (09022015). Collection method: clinical testing. Allele origin: germline.
Comment: This sequence change replaces leucine, which is neutral and non-polar, with methionine, which is neutral and non-polar, at codon 419 of the ATP1A2 protein (p.Leu419Met). This variant is not present in population databases (gnomAD no frequency). This variant has not been reported in the literature in individuals affected with ATP1A2-related conditions. Advanced modeling of protein sequence and biophysical properties (such as structural, functional, and spatial information, amino acid conservation, physicochemical variation, residue mobility, and thermodynamic stability) performed at Invitae indicates that this missense variant is not expected to disrupt ATP1A2 protein function. In summary, the available evidence is currently insufficient to determine the role of this variant in disease. Therefore, it has been classified as a Variant of Uncertain Significance.

NM_000702.4(ATP1A2):c.1255C>A (p.Leu419Met)

Gene: ATP1A2 (ATPase Na+/K+ transporting subunit alpha 2; plus strand). Cytogenetic location: 1q23.2.
Variant type: single nucleotide variant.
Coding change: c.1255C>A on transcript NM_000702.4 (MANE Select); coding-DNA position 1255, C replaced by A.
Protein change: p.Leu419Met; replaces leucine 419 with methionine.
Molecular consequence: missense variant.
Genome position (GRCh38, 1-based): chr1:160,129,018, C>A. VCF-style: chr1-160129018-C-A. GRCh37 (hg19) VCF-style: chr1-160098808-C-A.
Other names: short protein forms L419M.
Identifiers: ClinVar variation 2767432 (VCV002767432.3), dbSNP rs2101989458, ClinGen allele CA343240267.